The following is an entry in ClinVar:

NM_000388.4(CASR):c.166del (p.Glu56fs)

Gene: CASR (calcium sensing receptor; plus strand). Cytogenetic location: 3q21.1.
Variant type: Deletion.
Coding change: c.166del on transcript NM_000388.4 (MANE Select); coding-DNA position 166, one base deleted (G; older notation c.166delG).
Protein change: p.Glu56fs; shifts the reading frame from glutamic acid 56.
Molecular consequence: frameshift variant.
Genome position (GRCh38, 1-based): chr3:122,254,355, G deleted; the last of 2 consecutive G bases (chr3:122,254,354-122,254,355); deleting either gives the same sequence. VCF-style (leftmost placement, unchanged base first): chr3-122254353-CG-C. GRCh37 (hg19) VCF-style: chr3-121973200-CG-C.
Other names: c.166del, p.Glu56fs (NM_001178065.2); c.166delG (NM_000388.4); short protein forms E56fs.
Identifiers: ClinVar variation 35779 (VCV000035779.8), dbSNP rs193922424, ClinGen allele CA213566.

ClinVar aggregate classification (germline): Pathogenic. Review status: criteria provided, multiple submitters, no conflicts (2 of 4 stars). 2 submissions from 2 submitters: Pathogenic (2). Last evaluated 2024-07-25.

Conditions:
Familial hypocalciuric hypercalcemia (FHH). Also called: Familial benign hypercalcemia. Identifiers: Orphanet 405, MedGen C1809471, MONDO:0018458.
Autosomal dominant hypocalcemia 1 (HYPOC1). Also called: HYPOCALCEMIA, FAMILIAL. Identifiers: MedGen C3715128, MONDO:0011013, OMIM 601198.

Submissions (2):

Women's Health and Genetics/Laboratory Corporation of America, LabCorp
Classification: Pathogenic for Familial hypocalciuric hypercalcemia. Last evaluated: 2024-07-25. Review status: criteria provided, single submitter. Criteria: LabCorp Variant Classification Summary - May 2015. Collection method: clinical testing. Allele origin: germline.
Comment: Variant summary: CASR c.166delG (p.Glu56SerfsX19) results in a premature termination codon, predicted to cause a truncation of the encoded protein or absence of the protein due to nonsense mediated decay, which are commonly known mechanisms for disease. The variant was absent in 250952 control chromosomes. To our knowledge, no occurrence of c.166delG in individuals affected with Familial Hypocalciuric Hypercalcemia and no experimental evidence demonstrating its impact on protein function have been reported. ClinVar contains an entry for this variant (Variation ID: 35779). Based on the evidence outlined above, the variant was classified as pathogenic.

Labcorp Genetics (formerly Invitae), Labcorp
Classification: Pathogenic for Familial hypocalciuric hypercalcemia; Autosomal dominant hypocalcemia 1. Last evaluated: 2021-06-03. Review status: criteria provided, single submitter. Criteria: Invitae Variant Classification Sherloc (09022015). Collection method: clinical testing. Allele origin: germline.
Comment: This sequence change creates a premature translational stop signal (p.Glu56Serfs*19) in the CASR gene. It is expected to result in an absent or disrupted protein product. Loss-of-function variants in CASR are known to be pathogenic (PMID: 22422767). This variant is not present in population databases (ExAC no frequency). This variant has not been reported in the literature in individuals with CASR-related conditions. ClinVar contains an entry for this variant (Variation ID: 35779). For these reasons, this variant has been classified as Pathogenic.

Literature cited by the submitters: PubMed 22422767 (cited by Labcorp Genetics (formerly Invitae), Labcorp).